The following is an entry in ClinVar:

ClinVar aggregate classification (germline): Uncertain significance (1 of 4 stars; one submission).

Conditions:
Glycogen storage disease, type II (IOPD). Also called: Pompe Disease; CARDIOMEGALIA GLYCOGENICA DIFFUSA; GLYCOGENOSIS, GENERALIZED, CARDIAC FORM; GSD II; POMPE DISEASE, INFANTILE-ONSET; GLYCOGEN STORAGE DISEASE II, INFANTILE-ONSET. Identifiers: Orphanet 365, MedGen C0017921, MONDO:0009290, OMIM 232300.

Submission:

Genomenon, Inc
Classification: Uncertain significance for Glycogen storage disease, type II. Last evaluated: 2026-07-01. Review status: criteria provided, single submitter. Criteria: Genomenon Sequence Variant Interpretation Standards - Updated. Collection method: curation. Allele origin: germline. Affected: yes.
Comment: GAA p.Ser627del (c.1879_1881del) is an in-frame deletion that results in the loss of Serine at codon 627. This variant has been observed in at least one proband with a GAA-related disorder (PMID:35071497;31606152). It is absent or not present at a significant frequency in gnomAD. In conclusion, we classify GAA p.Ser627del (c.1879_1881del) as a variant of uncertain significance.

Literature cited by the submitters: PubMed 35071497; PubMed 31606152.

NM_000152.5(GAA):c.1876TCC[1] (p.Ser627del)

Gene: GAA (alpha glucosidase; plus strand). Cytogenetic location: 17q25.3.
Variant type: Microsatellite.
Coding change: c.1876TCC[1] on transcript NM_000152.5 (MANE Select); one copy of the 3-base unit TCC starting at c.1876; the reference has two copies in a row; one copy, 3 bases deleted; also written c.1879_1881del.
Protein change: p.Ser627del; deletes serine 627.
Molecular consequence: inframe deletion.
Genome position (GRCh38, 1-based): chr17:80,112,702-80,112,704, TCC deleted; deleting any 3 consecutive bases within chr17:80,112,697-80,112,704 gives the same sequence; the position shown is the placement nearest the transcript's 3' end. VCF-style (leftmost placement, unchanged base first): chr17-80112696-GCCT-G. GRCh37 (hg19) VCF-style: chr17-78086495-GCCT-G.
Other names: c.1879_1881del (NM_000152.5); c.1876TCC[1], p.Ser627del (NM_001079803.3, NM_001079804.3, NM_001406741.1 and 1 more transcripts); short protein forms S627del.
Identifiers: ClinVar variation 4876260 (VCV004876260.1).